The following is an entry in ClinVar:

ClinVar aggregate classification (germline): Conflicting classifications of pathogenicity. Review status: criteria provided, conflicting classifications (1 of 4 stars). 3 submissions from 3 submitters: Uncertain significance (1); Likely benign (2). Last evaluated 2025-07-02.

Conditions:
Amyotrophic neuralgia (HNA). Also called: AMYOTROPHY, HEREDITARY NEURALGIC, WITH PREDILECTION FOR BRACHIAL PLEXUS; AMYOTROPHY, HEREDITARY NEURALGIC; Hereditary Brachial Plexus Neuropathy; Neuritis with Brachial Predilection. Identifiers: Orphanet 2901, MedGen C1834304, MONDO:0008076, OMIM 162100.

Allele frequency attached by ClinVar (database versions not stated): ExAC 0.00001; gnomAD 0.00002; gnomAD exomes 0.00002; TOPMed 0.00003.
gnomAD v4.1: 32 of 1,603,394 alleles (0.002%); highest among the groups gnomAD compares: East Asian, 0.014%; no homozygotes.

Submissions (3):

Labcorp Genetics (formerly Invitae), Labcorp
Classification: Likely benign. Last evaluated: 2025-07-02. Review status: criteria provided, single submitter. Criteria: Invitae Variant Classification Sherloc (09022015). Collection method: clinical testing. Allele origin: germline.

Women's Health and Genetics/Laboratory Corporation of America, LabCorp
Classification: Likely benign. Last evaluated: 2024-07-02. Review status: criteria provided, single submitter. Criteria: LabCorp Variant Classification Summary - May 2015. Collection method: clinical testing. Allele origin: germline.
Comment: Variant summary: SEPTIN9 c.465C>T alters a conserved nucleotide resulting in a synonymous change. Consensus agreement among computation tools predict no significant impact on normal splicing. However, these predictions have yet to be confirmed by functional studies. The variant allele was found at a frequency of 2.2e-05 in 224710 control chromosomes. The available data on variant occurrences in the general population are insufficient to allow any conclusion about variant significance. To our knowledge, no occurrence of c.465C>T in individuals affected with Amyotrophic Neuralgia and no experimental evidence demonstrating its impact on protein function have been reported. ClinVar contains an entry for this variant (Variation ID: 325545). Based on the evidence outlined above, the variant was classified as likely benign.

Illumina Laboratory Services, Illumina
Classification: Uncertain significance for Amyotrophy, hereditary neuralgic. Last evaluated: 2018-01-12. Review status: criteria provided, single submitter. Criteria: ICSL Variant Classification Criteria 13 December 2019. Collection method: clinical testing. Allele origin: germline.

NM_001113491.2(SEPTIN9):c.519C>T (p.Pro173=)

Gene: SEPTIN9 (septin 9; plus strand). Cytogenetic location: 17q25.3.
Variant type: single nucleotide variant.
Coding change: c.519C>T on transcript NM_001113491.2 (MANE Select); coding-DNA position 519, C replaced by T.
Protein change: p.Pro173=; no amino-acid change (proline 173 retained).
Molecular consequence: synonymous variant.
Genome position (GRCh38, 1-based): chr17:77,402,501, C>T. VCF-style: chr17-77402501-C-T. GRCh37 (hg19) VCF-style: chr17-75398583-C-T.
Other names: c.27C>T, p.Pro9= (NM_001113492.2, NM_001113494.1); c.498C>T, p.Pro166= (NM_001113493.2); c.462C>T, p.Pro154= (NM_001293695.2); c.465C>T, p.Pro155= (NM_006640.5).
Identifiers: ClinVar variation 325545 (VCV000325545.13), dbSNP rs763954299, ClinGen allele CA8793230.
Genomic context (GRCh38, chr17:77,402,501, plus strand): 5'-CATCGTCAAACCCCAGGAGTCAGCCCACCGGAGGATGGAGCCCCCTGCCTCCAAGGTCCC[C>T]GAGGTGCCCACTGCCCCTGCCACCGACGCAGCCCCCAAGAGGGTGGAGATCCAGATGCCC-3'
Protein context (NP_001106963.1, residues 163-183): RRMEPPASKV[Pro173=]EVPTAPATDA